The following is an entry in ClinVar:

NM_001355436.2(SPTB):c.807T>C (p.Tyr269=)

Gene: SPTB (spectrin beta, erythrocytic; minus strand). Cytogenetic location: 14q23.3.
Variant type: single nucleotide variant.
Coding change: c.807T>C on transcript NM_001355436.2 (MANE Select); coding-DNA position 807, T replaced by C.
Protein change: p.Tyr269=; no amino-acid change (tyrosine 269 retained).
Molecular consequence: synonymous variant.
Genome position (GRCh38, 1-based): chr14:64,800,825, A>G on the plus strand (T>C on the coding strand, the complement: SPTB is on the minus strand). VCF-style: chr14-64800825-A-G. GRCh37 (hg19) VCF-style: chr14-65267543-A-G.
Other names: c.807T>C, p.Tyr269= (NM_001024858.4, NM_001355437.2).
Identifiers: ClinVar variation 313775 (VCV000313775.43), dbSNP rs115882528, ClinGen allele CA7231320.

ClinVar aggregate classification (germline): Benign/Likely benign. Review status: criteria provided, multiple submitters, no conflicts (2 of 4 stars). 4 submissions from 4 submitters: Benign (2); Likely benign (2). Last evaluated 2025-04-17.

Allele frequency attached by ClinVar (database versions not stated): gnomAD exomes 0.00015 and 0.00042; ExAC 0.00047; 1000 Genomes Project 0.00140; gnomAD 0.00141 and 0.00155; ESP Exome Variant Server 0.00146; TOPMed 0.00162; 1000 Genomes Project 30x 0.00172.
gnomAD v4.1: 444 of 1,614,244 alleles (0.028%); highest among the groups gnomAD compares: African/African-American, 0.51%; 2 homozygotes.

Submissions (4):

Labcorp Genetics (formerly Invitae), Labcorp
Classification: Benign. Last evaluated: 2025-04-17. Review status: criteria provided, single submitter. Criteria: Invitae Variant Classification Sherloc (09022015). Collection method: clinical testing. Allele origin: germline.

ARUP Laboratories, Molecular Genetics and Genomics, ARUP Laboratories
Classification: Benign. Last evaluated: 2024-12-03. Review status: criteria provided, single submitter. Criteria: ARUP Molecular Germline Variant Investigation Process 2024. Collection method: clinical testing. Allele origin: germline.

Blueprint Genetics
Classification: Likely benign. Last evaluated: 2024-08-20. Review status: criteria provided, single submitter. Criteria: ACMG Guidelines, 2015. Collection method: clinical testing. Allele origin: germline.

CeGaT Center for Human Genetics Tuebingen
Classification: Likely benign. Last evaluated: 2022-12-01. Review status: criteria provided, single submitter. Criteria: CeGaT Center For Human Genetics Tuebingen Variant Classification Criteria Version 2. Collection method: clinical testing. Allele origin: germline. Affected: yes. Observed: 1 variant allele.
Comment: SPTB: BP4, BP7